The following is an entry in ClinVar:

ClinVar aggregate classification (germline): Uncertain significance (1 of 4 stars; one submission).

Conditions:
Encephalopathy, acute, infection-induced (herpes-specific), susceptibility to, 1. Also called: Herpes simplex encephalitis, susceptibility to, 1. Identifiers: Orphanet 1930, MedGen C2750180, MONDO:0024563, OMIM 610551.

gnomAD v4.1: 7 of 1,613,882 alleles (0.00043%); highest among the groups gnomAD compares: East Asian, 0.016%; no homozygotes.

Submission:

Labcorp Genetics (formerly Invitae), Labcorp
Classification: Uncertain significance for Encephalopathy, acute, infection-induced (herpes-specific), susceptibility to, 1. Last evaluated: 2025-11-03. Review status: criteria provided, single submitter. Criteria: Invitae Variant Classification Sherloc (09022015). Collection method: clinical testing. Allele origin: germline.
Comment: This sequence change replaces aspartic acid, which is acidic and polar, with glycine, which is neutral and non-polar, at codon 192 of the TLR3 protein (p.Asp192Gly). This variant is present in population databases (rs775780260, gnomAD 0.03%). This variant has not been reported in the literature in individuals affected with TLR3-related conditions. An algorithm developed to predict the effect of missense changes on protein structure and function outputs the following: PolyPhen-2: "Benign". The glycine amino acid residue is found in multiple mammalian species, which suggests that this missense change does not adversely affect protein function. In summary, the available evidence is currently insufficient to determine the role of this variant in disease. Therefore, it has been classified as a Variant of Uncertain Significance.

NM_003265.3(TLR3):c.575A>G (p.Asp192Gly)

Gene: TLR3 (toll like receptor 3; plus strand). Cytogenetic location: 4q35.1.
Variant type: single nucleotide variant.
Coding change: c.575A>G on transcript NM_003265.3 (MANE Select); coding-DNA position 575, A replaced by G.
Protein change: p.Asp192Gly; replaces aspartic acid 192 with glycine.
Molecular consequence: missense variant.
Genome position (GRCh38, 1-based): chr4:186,078,973, A>G. VCF-style: chr4-186078973-A-G. GRCh37 (hg19) VCF-style: chr4-187000127-A-G.
Other names: short protein forms D192G.
Identifiers: ClinVar variation 4700778 (VCV004700778.1).